The following is an entry in ClinVar:

NM_004937.3(CTNS):c.1007T>A (p.Phe336Tyr)

Gene: CTNS (cystinosin, lysosomal cystine transporter; plus strand). Cytogenetic location: 17p13.2.
Variant type: single nucleotide variant.
Coding change: c.1007T>A on transcript NM_004937.3 (MANE Select); coding-DNA position 1007, T replaced by A.
Protein change: p.Phe336Tyr; replaces phenylalanine 336 with tyrosine.
Molecular consequence: missense variant.
Genome position (GRCh38, 1-based): chr17:3,660,272, T>A. VCF-style: chr17-3660272-T-A. GRCh37 (hg19) VCF-style: chr17-3563566-T-A.
Other names: c.1007T>A, p.Phe336Tyr (NM_001031681.3, NM_001374492.1); c.566T>A, p.Phe189Tyr (NM_001374493.1, NM_001374494.1, NM_001374495.1 and 1 more transcripts); short protein forms F189Y, F336Y.
Identifiers: ClinVar variation 1984496 (VCV001984496.2), dbSNP rs375669198, ClinGen allele CA8292007.
Genomic context (GRCh38, chr17:3,660,272, plus strand): 5'-CTTCTGTCCCCCGGCTGCTAACAGACCAGTGGACGCTGATCTTCGGAGACCCAACCAAGT[T>A]TGGACTCGGGGTCTTCTCCATCGTCTTCGACGTCGTCTTCTTCATCCAGCACTTCTGTTT-3'
Protein context (NP_004928.2, residues 326-346): WTLIFGDPTK[Phe336Tyr]GLGVFSIVFD

ClinVar aggregate classification (germline): Uncertain significance (1 of 4 stars; one submission).

Conditions:
Inborn genetic diseases. Identifiers: MedGen C0950123, MeSH D030342.
Juvenile nephropathic cystinosis. Also called: Later-Onset (Juvenile) Cystinosis; Intermediate Cystinosis; CYSTINOSIS, LATE-ONSET JUVENILE OR ADOLESCENT NEPHROPATHIC TYPE. Identifiers: Orphanet 213, Orphanet 411634, MedGen C0268626, MONDO:0009066, OMIM 219900.
Ocular cystinosis. Also called: Non-Nephropathic (Ocular) Cystinosis; Non-Nephropathic Cystinosis. Identifiers: Orphanet 213, Orphanet 411641, MedGen C2931013, MONDO:0009064, OMIM 219750.

Allele frequency attached by ClinVar (database versions not stated): TOPMed below 0.00001; ExAC 0.00001; gnomAD 0.00001; ESP Exome Variant Server 0.00008.

Submission:

Labcorp Genetics (formerly Invitae), Labcorp
Classification: Uncertain significance for Inborn genetic diseases; Ocular cystinosis; Juvenile nephropathic cystinosis. Last evaluated: 2025-11-10. Review status: criteria provided, single submitter. Criteria: Invitae Variant Classification Sherloc (09022015). Collection method: clinical testing. Allele origin: germline.
Comment: This sequence change replaces phenylalanine, which is neutral and non-polar, with tyrosine, which is neutral and polar, at codon 336 of the CTNS protein (p.Phe336Tyr). This variant is present in population databases (rs375669198, gnomAD 0.0009%). This variant has not been reported in the literature in individuals affected with CTNS-related conditions. ClinVar contains an entry for this variant (Variation ID: 1984496). Invitae Evidence Modeling of protein sequence and biophysical properties (such as structural, functional, and spatial information, amino acid conservation, physicochemical variation, residue mobility, and thermodynamic stability) indicates that this missense variant is expected to disrupt CTNS protein function with a positive predictive value of 80%. In summary, the available evidence is currently insufficient to determine the role of this variant in disease. Therefore, it has been classified as a Variant of Uncertain Significance.